The following is an entry in ClinVar:

NM_022436.3(ABCG5):c.1525C>T (p.Pro509Ser)

Genes: ABCG5 (ATP binding cassette subfamily G member 5; minus strand), DYNC2LI1 (dynein cytoplasmic 2 light intermediate chain 1; plus strand). Cytogenetic location: 2p21.
Variant type: single nucleotide variant.
Coding change: c.1525C>T on transcript NM_022436.3 (MANE Select); coding-DNA position 1525, C replaced by T.
Protein change: p.Pro509Ser; replaces proline 509 with serine.
Molecular consequence: missense variant. On other transcripts: intron variant (2).
Genome position (GRCh38, 1-based): chr2:43,820,039, G>A on the plus strand (C>T on the coding strand, the complement: ABCG5 is on the minus strand). VCF-style: chr2-43820039-G-A. GRCh37 (hg19) VCF-style: chr2-44047178-G-A.
Other names: c.*16-7347G>A (NM_001348913.2, NM_001348912.2); short protein forms P509S.
Identifiers: ClinVar variation 3895352 (VCV003895352.1).

ClinVar aggregate classification (germline): Uncertain significance (1 of 4 stars; one submission).

Conditions:
Cardiovascular phenotype. Identifiers: MedGen CN230736.

Submission:

Molecular Diagnostic Laboratory for Inherited Cardiovascular Disease, Montreal Heart Institute
Classification: Uncertain significance for Cardiovascular phenotype. Last evaluated: 2025-04-09. Review status: criteria provided, single submitter. Criteria: ACMG Guidelines, 2015. Collection method: clinical testing. Allele origin: germline. Affected: yes.
Comment: PM2